The following is an entry in ClinVar:

ClinVar aggregate classification (germline): Uncertain significance (1 of 4 stars; one submission).

Conditions:
Cardiovascular phenotype. Identifiers: MedGen CN230736.

Allele frequency attached by ClinVar (database versions not stated): gnomAD exomes below 0.00001; TOPMed below 0.00001.
gnomAD v4.1: 2 of 1,564,046 alleles (0.00013%); highest among the groups gnomAD compares: Non-Finnish European, 0.00017%; no homozygotes.

Submission:

Ambry Genetics
Classification: Uncertain significance for Cardiovascular phenotype. Last evaluated: 2018-08-24. Review status: criteria provided, single submitter. Criteria: Ambry Variant Classification Scheme 2023. Collection method: clinical testing. Allele origin: germline.
Comment: The p.V6344I variant (also known as c.19030G>A), located in coding exon 75 of the TTN gene, results from a G to A substitution at nucleotide position 19030. The valine at codon 6344 is replaced by isoleucine, an amino acid with highly similar properties. This amino acid position is well conserved in available vertebrate species; however, isoleucine is the reference amino acid in other vertebrate species. In addition, this alteration is predicted to be tolerated by in silico analysis. Since supporting evidence is limited at this time, the clinical significance of this alteration remains unclear.

NM_001267550.2(TTN):c.46225G>A (p.Val15409Ile)

Gene: TTN (titin; minus strand). Cytogenetic location: 2q31.2.
Variant type: single nucleotide variant.
Coding change: c.46225G>A on transcript NM_001267550.2 (MANE Select); coding-DNA position 46225, G replaced by A.
Protein change: p.Val15409Ile; replaces valine 15409 with isoleucine.
Molecular consequence: missense variant.
Genome position (GRCh38, 1-based): chr2:178,620,296, C>T on the plus strand (G>A on the coding strand, the complement: TTN is on the minus strand). VCF-style: chr2-178620296-C-T. GRCh37 (hg19) VCF-style: chr2-179485023-C-T.
Other names: c.41302G>A, p.Val13768Ile (NM_001256850.1); c.19030G>A, p.Val6344Ile (NM_003319.4); c.38521G>A, p.Val12841Ile (NM_133378.4); c.19405G>A, p.Val6469Ile (NM_133432.3); c.19606G>A, p.Val6536Ile (NM_133437.4); short protein forms V12841I, V15409I, V6469I, V13768I, V6536I, V6344I.
Identifiers: ClinVar variation 1782337 (VCV001782337.2), dbSNP rs2058073034, ClinGen allele CA349628546.